The following is an entry in ClinVar:

ClinVar aggregate classification (germline): Uncertain significance. Review status: criteria provided, multiple submitters, no conflicts (2 of 4 stars). 2 submissions from 2 submitters: Uncertain significance (2). Last evaluated 2025-02-27.

Conditions:
Inborn genetic diseases. Identifiers: MedGen C0950123, MeSH D030342.
Glanzmann thrombasthenia. Also called: PLATELET GLYCOPROTEIN IIb-IIIa DEFICIENCY; BLEEDING DISORDER, PLATELET-TYPE, 2; THROMBASTHENIA OF GLANZMANN AND NAEGELI; Thrombasthenia; Glanzmann's thrombasthenia. Identifiers: Orphanet 849, MedGen C0040015, MONDO:0100326.

gnomAD v4.1: 31 of 1,613,898 alleles (0.0019%); highest among the groups gnomAD compares: South Asian, 0.0077%; no homozygotes.

Submissions (2):

Labcorp Genetics (formerly Invitae), Labcorp
Classification: Uncertain significance for Glanzmann thrombasthenia. Last evaluated: 2025-02-27. Review status: criteria provided, single submitter. Criteria: Invitae Variant Classification Sherloc (09022015). Collection method: clinical testing. Allele origin: germline.
Comment: This sequence change replaces arginine, which is basic and polar, with tryptophan, which is neutral and slightly polar, at codon 1028 of the ITGA2B protein (p.Arg1028Trp). This variant is present in population databases (rs761164933, gnomAD 0.006%). This variant has not been reported in the literature in individuals affected with ITGA2B-related conditions. Invitae Evidence Modeling of protein sequence and biophysical properties (such as structural, functional, and spatial information, amino acid conservation, physicochemical variation, residue mobility, and thermodynamic stability) indicates that this missense variant is expected to disrupt ITGA2B protein function with a positive predictive value of 95%. In summary, the available evidence is currently insufficient to determine the role of this variant in disease. Therefore, it has been classified as a Variant of Uncertain Significance.

Ambry Genetics
Classification: Uncertain significance for Inborn genetic diseases. Last evaluated: 2025-02-24. Review status: criteria provided, single submitter. Criteria: Ambry Variant Classification Scheme 2023. Collection method: clinical testing. Allele origin: germline.

NM_000419.5(ITGA2B):c.3082C>T (p.Arg1028Trp)

Gene: ITGA2B (integrin subunit alpha 2b; minus strand). Cytogenetic location: 17q21.31.
Variant type: single nucleotide variant.
Coding change: c.3082C>T on transcript NM_000419.5 (MANE Select); coding-DNA position 3082, C replaced by T.
Protein change: p.Arg1028Trp; replaces arginine 1028 with tryptophan.
Molecular consequence: missense variant.
Genome position (GRCh38, 1-based): chr17:44,372,402, G>A on the plus strand (C>T on the coding strand, the complement: ITGA2B is on the minus strand). VCF-style: chr17-44372402-G-A. GRCh37 (hg19) VCF-style: chr17-42449770-G-A.
Other names: short protein forms R1028W.
Identifiers: ClinVar variation 3666205 (VCV003666205.3).